The following is an entry in ClinVar:

NM_181507.2(HPS5):c.541C>T (p.Gln181Ter)

Gene: HPS5 (HPS5 biogenesis of lysosomal organelles complex 2 subunit 2; minus strand). Cytogenetic location: 11p15.1.
Variant type: single nucleotide variant.
Coding change: c.541C>T on transcript NM_181507.2 (MANE Select); coding-DNA position 541, C replaced by T.
Protein change: p.Gln181Ter; replaces glutamine 181 with a stop codon.
Molecular consequence: nonsense.
Genome position (GRCh38, 1-based): chr11:18,309,016, G>A on the plus strand (C>T on the coding strand, the complement: HPS5 is on the minus strand). VCF-style: chr11-18309016-G-A. GRCh37 (hg19) VCF-style: chr11-18330563-G-A.
Other names: c.541C>T, p.Gln181Ter (NM_001440902.1, NM_001440903.1, NM_001440904.1 and 6 more transcripts); c.466C>T, p.Gln156Ter (NM_001440907.1, NM_001440908.1, NM_001440909.1); c.430C>T, p.Gln144Ter (NM_001440913.1, NM_001440914.1, NM_001440915.1); c.355C>T, p.Gln119Ter (NM_001440918.1); c.199C>T, p.Gln67Ter (NM_001440920.1, NM_001440921.1, NM_001440922.1 and 10 more transcripts); short protein forms Q156*, Q181*, Q119*, Q144*, Q67*.
Identifiers: ClinVar variation 4729203 (VCV004729203.1).

ClinVar aggregate classification (germline): Pathogenic (1 of 4 stars; one submission).

gnomAD v4.1: 1 of 1,613,692 alleles (0.000062%); highest among the groups gnomAD compares: Non-Finnish European, 0.000085%; no homozygotes.

Submission:

Labcorp Genetics (formerly Invitae), Labcorp
Classification: Pathogenic. Last evaluated: 2025-10-19. Review status: criteria provided, single submitter. Criteria: Invitae Variant Classification Sherloc (09022015). Collection method: clinical testing. Allele origin: germline.
Comment: This sequence change creates a premature translational stop signal (p.Gln181*) in the HPS5 gene. It is expected to result in an absent or disrupted protein product. Loss-of-function variants in HPS5 are known to be pathogenic (PMID: 12548288, 15296495, 21833017, 26785811). This variant is not present in population databases (gnomAD no frequency). This variant has not been reported in the literature in individuals affected with HPS5-related conditions. Algorithms developed to predict the effect of sequence changes on RNA splicing suggest that this variant may disrupt the consensus splice site. For these reasons, this variant has been classified as Pathogenic.

Literature cited by the submitters: PubMed 12548288; PubMed 15296495; PubMed 21833017; PubMed 26785811.